The following is an entry in ClinVar:

NM_000026.4(ADSL):c.1042G>A (p.Ala348Thr)

Gene: ADSL (adenylosuccinate lyase; plus strand). Cytogenetic location: 22q13.1.
Variant type: single nucleotide variant.
Coding change: c.1042G>A on transcript NM_000026.4 (MANE Select); coding-DNA position 1042, G replaced by A.
Protein change: p.Ala348Thr; replaces alanine 348 with threonine.
Molecular consequence: missense variant. On other transcripts: non-coding transcript variant (1).
Genome position (GRCh38, 1-based): chr22:40,363,012, G>A. VCF-style: chr22-40363012-G-A. GRCh37 (hg19) VCF-style: chr22-40759016-G-A.
Other names: c.1042G>A, p.Ala348Thr (NM_001123378.3, NM_001363840.3); c.850G>A, p.Ala284Thr (NM_001317923.2); short protein forms A284T, A348T.
Identifiers: ClinVar variation 933713 (VCV000933713.6), dbSNP rs752735865, ClinGen allele CA10247897.

ClinVar aggregate classification (germline): Uncertain significance. Review status: criteria provided, multiple submitters, no conflicts (2 of 4 stars). 2 submissions from 2 submitters: Uncertain significance (2). Last evaluated 2023-05-22.

Conditions:
Adenylosuccinate lyase deficiency (ADSLD). Also called: ADSL DEFICIENCY. Identifiers: Orphanet 46, MedGen C0268126, MONDO:0007068, OMIM 103050.

Allele frequency attached by ClinVar (database versions not stated): gnomAD 0.00001; TOPMed 0.00001; ExAC 0.00002; gnomAD exomes 0.00002.
gnomAD v4.1: 24 of 1,613,934 alleles (0.0015%); highest among the groups gnomAD compares: South Asian, 0.0066%; no homozygotes.

Submissions (2):

Labcorp Genetics (formerly Invitae), Labcorp
Classification: Uncertain significance for Adenylosuccinate lyase deficiency. Last evaluated: 2023-05-22. Review status: criteria provided, single submitter. Criteria: Invitae Variant Classification Sherloc (09022015). Collection method: clinical testing. Allele origin: germline.
Comment: This sequence change replaces alanine, which is neutral and non-polar, with threonine, which is neutral and polar, at codon 348 of the ADSL protein (p.Ala348Thr). This variant is present in population databases (rs752735865, gnomAD 0.007%). This variant has not been reported in the literature in individuals affected with ADSL-related conditions. ClinVar contains an entry for this variant (Variation ID: 933713). Advanced modeling of protein sequence and biophysical properties (such as structural, functional, and spatial information, amino acid conservation, physicochemical variation, residue mobility, and thermodynamic stability) performed at Invitae indicates that this missense variant is not expected to disrupt ADSL protein function. In summary, the available evidence is currently insufficient to determine the role of this variant in disease. Therefore, it has been classified as a Variant of Uncertain Significance.

Neuberg Centre For Genomic Medicine, NCGM
Classification: Uncertain significance for Adenylosuccinate lyase deficiency. Review status: criteria provided, single submitter. Criteria: ACMG Guidelines, 2015. Collection method: clinical testing. Allele origin: germline. Inheritance: Autosomal recessive inheritance. Affected: yes.
Comment: The missense c.1042G>A (p.Ala348Thr) variant in ADSL gene has not been reported previously as a pathogenic variant nor as a benign variant, to our knowledge. This variant is reported with the allele frequency 0.001% in the gnomAD and novel in 1000 genome database. This variant has been reported to the ClinVar database as uncertain significance. The amino acid Ala at position 348 is changed to a Thr changing protein sequence and it might alter its composition and physico-chemical properties. The variant is predicted to be damaging by PolyPhen2 and the residue is conserved across species. The amino acid change p.Ala348Thr in ADSL is predicted as conserved by GERP++ and PhyloP across 100 vertebrates. For these reasons, this variant has been classified as Uncertain Significance.